The following is an entry in ClinVar:

ClinVar aggregate classification (germline): Likely benign. Review status: reviewed by expert panel (3 of 4 stars). 3 submissions from 3 submitters: Likely benign (1). 2 of the submissions do not count toward it. Last evaluated 2023-02-20.

Conditions:
Angelman syndrome-like. Identifiers: MedGen CN128785.
Developmental and epileptic encephalopathy, 2 (DEE2). Also called: INFANTILE SPASM SYNDROME, X-LINKED 2; CDKL5 deficiency disorder. Identifiers: Orphanet 1934, Orphanet 3451, Orphanet 505652, MedGen C4750718, MONDO:0010396, OMIM 300672.
Inborn genetic diseases. Identifiers: MedGen C0950123, MeSH D030342.
CDKL5 disorder. Identifiers: MedGen CN296942, MONDO:0100039.

Allele frequency attached by ClinVar (database versions not stated): gnomAD 0.00001; gnomAD exomes 0.00002.
gnomAD v4.1: 15 of 1,209,798 alleles (0.0012%); highest among the groups gnomAD compares: African/African-American, 0.0035%; no homozygotes.

Submissions (3):

ClinGen Rett and Angelman-like Disorders Variant Curation Expert Panel
Classification: Likely benign for CDKL5 disorder. Last evaluated: 2023-02-20. Review status: reviewed by expert panel. Criteria: ClinGen RettAS ACMG Specifications V2. Collection method: curation. Allele origin: germline. Inheritance: X-linked inheritance.
Comment: The allele frequency of the p.Pro527Ser variant in CDKL5 is 0.017% in African sub population in gnomAD, which is high enough to meet the BS1 criteria based on thresholds defined by the ClinGen Rett/Angelman-like Expert Panel for Rett/AS-like conditions (BS1). The p.Pro527Ser variant is observed in at least 1 unaffected individual (internal database - Invitae) (BS2_supporting). In summary, the p.Pro527Ser variant in CDKL5 is classified as a Likely Benign based on the ACMG/AMP criteria (BS1, BS2_supporting).

Labcorp Genetics (formerly Invitae), Labcorp
Classification: Likely benign for Developmental and epileptic encephalopathy, 2; Angelman syndrome-like. Last evaluated: 2024-01-17. Review status: criteria provided, single submitter. Criteria: Invitae Variant Classification Sherloc (09022015). Collection method: clinical testing. Allele origin: germline. Not counted in ClinVar's aggregate classification.

Ambry Genetics
Classification: Uncertain significance for Inborn genetic diseases. Last evaluated: 2017-05-04. Review status: criteria provided, single submitter. Criteria: Ambry Variant Classification Scheme 2023. Collection method: clinical testing. Allele origin: germline. Not counted in ClinVar's aggregate classification.
Comment: The p.P527S variant (also known as c.1579C>T), located in coding exon 11 of the CDKL5 gene, results from a C to T substitution at nucleotide position 1579. The proline at codon 527 is replaced by serine, an amino acid with similar properties. This amino acid position is highly conserved in available vertebrate species. In addition, the in silico prediction for this alteration is inconclusive. Since supporting evidence is limited at this time, the clinical significance of this alteration remains unclear.

NM_001323289.2(CDKL5):c.1579C>T (p.Pro527Ser)

Gene: CDKL5 (cyclin dependent kinase like 5; plus strand). Cytogenetic location: Xp22.13.
Variant type: single nucleotide variant.
Coding change: c.1579C>T on transcript NM_001323289.2 (MANE Select); coding-DNA position 1579, C replaced by T.
Protein change: p.Pro527Ser; replaces proline 527 with serine.
Molecular consequence: missense variant.
Genome position (GRCh38, 1-based): chrX:18,604,503, C>T. VCF-style: chrX-18604503-C-T. GRCh37 (hg19) VCF-style: chrX-18622623-C-T.
Other names: NM_001323289.2(CDKL5):c.1579C>T; p.Pro527Ser; c.1579C>T, p.Pro527Ser (NM_001037343.2, NM_003159.3); short protein forms P527S.
Identifiers: ClinVar variation 590134 (VCV000590134.16), dbSNP rs1275389347, ClinGen allele CA412361753.